The following is an entry in ClinVar:

NM_001243279.3(ACSF3):c.666+1G>T

Gene: ACSF3 (acyl-CoA synthetase family member 3; plus strand). Cytogenetic location: 16q24.3.
Variant type: single nucleotide variant.
Coding change: c.666+1G>T on transcript NM_001243279.3 (MANE Select); the canonical splice donor site of the intron after coding-DNA position 666, G replaced by T.
Molecular consequence: splice donor variant. On other transcripts: intron variant (1).
Genome position (GRCh38, 1-based): chr16:89,101,348, G>T. VCF-style: chr16-89101348-G-T. GRCh37 (hg19) VCF-style: chr16-89167756-G-T.
Other names: c.666+1G>T (NM_001127214.4, NM_174917.5); c.-129-1256G>T (NM_001284316.2).
Identifiers: ClinVar variation 2119910 (VCV002119910.5), dbSNP rs1336382616, ClinGen allele CA397136006.
Genomic context (GRCh38, chr16:89,101,348, plus strand): 5'-AGTGGGACCACGGGGAGGCCCAAGGGCGTGCTGAGCACGCACCAAAACATCAGGGCTGTG[G>T]TGAGTGCCGCCTGGCGCCGTGATGGTTTCGGTGACCGCACAGCACTCCGGGTGGGCTCCG-3'

ClinVar aggregate classification (germline): Likely pathogenic. Review status: criteria provided, multiple submitters, no conflicts (2 of 4 stars). 2 submissions from 2 submitters: Likely pathogenic (2). Last evaluated 2024-03-13.

Conditions:
Combined malonic and methylmalonic acidemia. Identifiers: Orphanet 289504, MedGen C3280314, MONDO:0013661, OMIM 614265.

Submissions (2):

Baylor Genetics
Classification: Likely pathogenic for Combined malonic and methylmalonic acidemia. Last evaluated: 2024-03-13. Review status: criteria provided, single submitter. Criteria: ACMG Guidelines, 2015. Collection method: clinical testing. Allele origin: unknown.

Labcorp Genetics (formerly Invitae), Labcorp
Classification: Likely pathogenic for Combined malonic and methylmalonic acidemia. Last evaluated: 2023-05-01. Review status: criteria provided, single submitter. Criteria: Invitae Variant Classification Sherloc (09022015). Collection method: clinical testing. Allele origin: germline.
Comment: ClinVar contains an entry for this variant (Variation ID: 2119910). This variant has not been reported in the literature in individuals affected with ACSF3-related conditions. This variant is not present in population databases (gnomAD no frequency). This sequence change affects a donor splice site in intron 3 of the ACSF3 gene. It is expected to disrupt RNA splicing. Variants that disrupt the donor or acceptor splice site typically lead to a loss of protein function (PMID: 16199547), and loss-of-function variants in ACSF3 are known to be pathogenic (PMID: 21841779, 26827111). Algorithms developed to predict the effect of sequence changes on RNA splicing suggest that this variant may disrupt the consensus splice site. In summary, the currently available evidence indicates that the variant is pathogenic, but additional data are needed to prove that conclusively. Therefore, this variant has been classified as Likely Pathogenic.

Literature cited by the submitters: PubMed 16199547 (cited by Labcorp Genetics (formerly Invitae), Labcorp); PubMed 21841779 (cited by Labcorp Genetics (formerly Invitae), Labcorp); PubMed 26827111 (cited by Labcorp Genetics (formerly Invitae), Labcorp).